The following is an entry in ClinVar:

ClinVar aggregate classification (germline): Uncertain significance (1 of 4 stars; one submission).

gnomAD v4.1: 1 of 1,614,030 alleles (0.000062%); highest among the groups gnomAD compares: East Asian, 0.0022%; no homozygotes.

Submission:

GeneDx
Classification: Uncertain significance. Last evaluated: 2024-02-01. Review status: criteria provided, single submitter. Criteria: GeneDx Variant Classification Process June 2021. Collection method: clinical testing. Allele origin: germline. Affected: yes.
Comment: Not observed at significant frequency in large population cohorts (gnomAD); In silico analysis supports that this variant does not alter splicing; Has not been previously published as pathogenic or benign to our knowledge

NM_024077.5(SECISBP2):c.2508G>A (p.Leu836=)

Gene: SECISBP2 (SECIS binding protein 2; plus strand). Cytogenetic location: 9q22.2.
Variant type: single nucleotide variant.
Coding change: c.2508G>A on transcript NM_024077.5 (MANE Select); coding-DNA position 2508, G replaced by A.
Protein change: p.Leu836=; no amino-acid change (leucine 836 retained).
Molecular consequence: synonymous variant.
Genome position (GRCh38, 1-based): chr9:89,358,767, G>A. VCF-style: chr9-89358767-G-A. GRCh37 (hg19) VCF-style: chr9-91973682-G-A.
Other names: c.2505G>A, p.Leu835= (NM_001282688.2); c.2289G>A, p.Leu763= (NM_001282689.2); c.2304G>A, p.Leu768= (NM_001282690.1); c.2391G>A, p.Leu797= (NM_001354696.2); c.2394G>A, p.Leu798= (NM_001354697.2); c.2301G>A, p.Leu767= (NM_001354698.2); c.1623G>A, p.Leu541= (NM_001354702.2).
Identifiers: ClinVar variation 3368661 (VCV003368661.1).